The following is an entry in ClinVar:

NM_001278716.2(FBXL4):c.936G>A (p.Gln312=)

Gene: FBXL4 (F-box and leucine rich repeat protein 4; minus strand). Cytogenetic location: 6q16.2.
Variant type: single nucleotide variant.
Coding change: c.936G>A on transcript NM_001278716.2 (MANE Select); coding-DNA position 936, G replaced by A.
Protein change: p.Gln312=; no amino-acid change (glutamine 312 retained).
Molecular consequence: synonymous variant. On other transcripts: non-coding transcript variant (2).
Genome position (GRCh38, 1-based): chr6:98,905,593, C>T on the plus strand (G>A on the coding strand, the complement: FBXL4 is on the minus strand). VCF-style: chr6-98905593-C-T. GRCh37 (hg19) VCF-style: chr6-99353469-C-T.
Other names: c.936G>A, p.Gln312= (NM_012160.5).
Identifiers: ClinVar variation 437659 (VCV000437659.7), dbSNP rs142814111, ClinGen allele CA3933580.

ClinVar aggregate classification (germline): Conflicting classifications of pathogenicity. Review status: criteria provided, conflicting classifications (1 of 4 stars). 2 submissions from 2 submitters: Uncertain significance (1); Likely benign (1). Last evaluated 2025-10-21.

Conditions:
Mitochondrial DNA depletion syndrome 13. Also called: FBXL4-Related Encephalomyopathic Mitochondrial DNA Depletion Syndrome; Mitochondrial DNA depletion syndrome 13 (encephalomyopathic type). Identifiers: Orphanet 369897, MedGen C3809592, MONDO:0014198, OMIM 615471.

Allele frequency attached by ClinVar (database versions not stated): ExAC 0.00002; gnomAD exomes 0.00003; gnomAD 0.00010; TOPMed 0.00013; ESP Exome Variant Server 0.00015.
gnomAD v4.1: 22 of 1,613,806 alleles (0.0014%); highest among the groups gnomAD compares: African/African-American, 0.024%; no homozygotes.

Submissions (2):

Labcorp Genetics (formerly Invitae), Labcorp
Classification: Likely benign. Last evaluated: 2025-10-21. Review status: criteria provided, single submitter. Criteria: Invitae Variant Classification Sherloc (09022015). Collection method: clinical testing. Allele origin: germline.

Wong Mito Lab, Molecular and Human Genetics, Baylor College of Medicine
Classification: Uncertain significance for Mitochondrial DNA depletion syndrome 13. Last evaluated: 2017-08-10. Review status: criteria provided, single submitter. Criteria: ACMG Guidelines, 2015. Collection method: reference population. Allele origin: germline.
Comment: The NM_012160.4:c.936G>A (NP_036292.2:p.Gln312=) [GRCH38: NC_000006.12:g.98905593C>T] variant in FBXL4 gene is interpretated to be a Uncertain Significance - Conflicting Evidence based on ACMG guidelines (PMID: 25741868). This variant meets one or more of the following evidence codes reported in the ACMG-guideline. PM2:This variant is absent in key population databases. BP4:Computational evidence/predictors indicate no impact on the FBXL4 structure, function, or protein-protein interaction. BP7:The variant is silent with non predicted splice impact. Based on this evidence code ClinGen Pathogenicity Calculator (PMID:28081714) suggested that the variant is Uncertain Significance - Conflicting Evidence.